The following is an entry in ClinVar:

NM_000334.4(SCN4A):c.1523G>C (p.Gly508Ala)

Gene: SCN4A (sodium voltage-gated channel alpha subunit 4; minus strand). Cytogenetic location: 17q23.3.
Variant type: single nucleotide variant.
Coding change: c.1523G>C on transcript NM_000334.4 (MANE Select); coding-DNA position 1523, G replaced by C.
Protein change: p.Gly508Ala; replaces glycine 508 with alanine.
Molecular consequence: missense variant.
Genome position (GRCh38, 1-based): chr17:63,963,755, C>G on the plus strand (G>C on the coding strand, the complement: SCN4A is on the minus strand). VCF-style: chr17-63963755-C-G. GRCh37 (hg19) VCF-style: chr17-62041115-C-G.
Other names: short protein forms G508A.
Identifiers: ClinVar variation 2038779 (VCV002038779.4), dbSNP rs2509314238, ClinGen allele CA400634578.
Genomic context (GRCh38, chr17:63,963,755, plus strand): 5'-CTGTCTCCGCTGCTGCTCTGCCTCGGGGCTCCCTTCTCCCCTTGCGATGTGTCCAGGCTG[C>G]CATTGCAGTCTTTGCCATGGGCTGGGTCCCCATCTGCCTCCCCACCTTCCAGAGCTTGGG-3'
Protein context (NP_000325.4, residues 498-518): GDPAHGKDCN[Gly508Ala]SLDTSQGEKG

ClinVar aggregate classification (germline): Uncertain significance (1 of 4 stars; one submission).

Conditions:
Hyperkalemic periodic paralysis. Also called: Familial hyperkalemic periodic paralysis; Gamstorp disease. Identifiers: Orphanet 682, MedGen C0238357, MONDO:0008224, OMIM 170500, HP:0007215.

Allele frequency attached by ClinVar (database versions not stated): gnomAD exomes 0.00001.
gnomAD v4.1: 9 of 1,609,834 alleles (0.00056%); highest among the groups gnomAD compares: Non-Finnish European, 0.00076%; no homozygotes.

Submission:

Labcorp Genetics (formerly Invitae), Labcorp
Classification: Uncertain significance for Hyperkalemic periodic paralysis. Last evaluated: 2021-12-09. Review status: criteria provided, single submitter. Criteria: Invitae Variant Classification Sherloc (09022015). Collection method: clinical testing. Allele origin: germline.
Comment: In summary, the available evidence is currently insufficient to determine the role of this variant in disease. Therefore, it has been classified as a Variant of Uncertain Significance. Algorithms developed to predict the effect of missense changes on protein structure and function (SIFT, PolyPhen-2, Align-GVGD) all suggest that this variant is likely to be disruptive. This variant has not been reported in the literature in individuals affected with SCN4A-related conditions. This variant is not present in population databases (gnomAD no frequency). This sequence change replaces glycine, which is neutral and non-polar, with alanine, which is neutral and non-polar, at codon 508 of the SCN4A protein (p.Gly508Ala).